The following is an entry in ClinVar:

ClinVar aggregate classification (germline): Uncertain significance (0 of 4 stars; one submission).

Conditions:
RAI1-related disorder. Also called: RAI1-related condition.

Submission:

PreventionGenetics, part of Exact Sciences
Classification: Uncertain significance for RAI1-related condition. Last evaluated: 2024-03-01. Review status: no assertion criteria provided. Collection method: clinical testing. Allele origin: germline.
Comment: The RAI1 c.5709G>A variant is not predicted to result in an amino acid change (p.=). This variant occurs at the last nucleotide of exon 5 and is predicted to weaken the canonical splice donor site (Alamut Visual Plus v1.6.1). However, no premature termination variants have been reported downstream of this position. To our knowledge, this variant has not been reported in the literature or in a large population database, indicating this variant is rare. At this time, the clinical significance of this variant is uncertain due to the absence of conclusive functional and genetic evidence.

NM_030665.4(RAI1):c.5709G>A (p.Lys1903=)

Gene: RAI1 (retinoic acid induced 1; plus strand). Cytogenetic location: 17p11.2.
Variant type: single nucleotide variant.
Coding change: c.5709G>A on transcript NM_030665.4 (MANE Select); coding-DNA position 5709, G replaced by A.
Protein change: p.Lys1903=; no amino-acid change (lysine 1903 retained).
Molecular consequence: synonymous variant.
Genome position (GRCh38, 1-based): chr17:17,809,439, G>A. VCF-style: chr17-17809439-G-A. GRCh37 (hg19) VCF-style: chr17-17712753-G-A.
Identifiers: ClinVar variation 2631201 (VCV002631201.3), dbSNP rs2543660542, ClinGen allele CA498191056.